The following is an entry in ClinVar:

NM_032447.5(FBN3):c.1629C>A (p.Asn543Lys)

Gene: FBN3 (fibrillin 3; minus strand). Cytogenetic location: 19p13.2.
Variant type: single nucleotide variant.
Coding change: c.1629C>A on transcript NM_032447.5 (MANE Select); coding-DNA position 1629, C replaced by A.
Protein change: p.Asn543Lys; replaces asparagine 543 with lysine.
Molecular consequence: missense variant.
Genome position (GRCh38, 1-based): chr19:8,133,069, G>T on the plus strand (C>A on the coding strand, the complement: FBN3 is on the minus strand). VCF-style: chr19-8133069-G-T. GRCh37 (hg19) VCF-style: chr19-8197953-G-T.
Other names: c.1629C>A, p.Asn543Lys (NM_001321431.2); short protein forms N543K.
Identifiers: ClinVar variation 3664018 (VCV003664018.2).

ClinVar aggregate classification (germline): Uncertain significance (1 of 4 stars; one submission).

gnomAD v4.1: 3 of 1,585,622 alleles (0.00019%); highest among the groups gnomAD compares: Admixed American, 0.0054%; no homozygotes.

Submission:

Labcorp Genetics (formerly Invitae), Labcorp
Classification: Uncertain significance. Last evaluated: 2024-08-30. Review status: criteria provided, single submitter. Criteria: Invitae Variant Classification Sherloc (09022015). Collection method: clinical testing. Allele origin: germline.
Comment: This sequence change replaces asparagine, which is neutral and polar, with lysine, which is basic and polar, at codon 543 of the FBN3 protein (p.Asn543Lys). The frequency data for this variant in the population databases is considered unreliable, as metrics indicate poor data quality at this position in the gnomAD database. This variant has not been reported in the literature in individuals affected with FBN3-related conditions. Invitae Evidence Modeling of protein sequence and biophysical properties (such as structural, functional, and spatial information, amino acid conservation, physicochemical variation, residue mobility, and thermodynamic stability) indicates that this missense variant is expected to disrupt FBN3 protein function with a positive predictive value of 80%. In summary, the available evidence is currently insufficient to determine the role of this variant in disease. Therefore, it has been classified as a Variant of Uncertain Significance.